The following is an entry in ClinVar:

ClinVar aggregate classification (germline): Uncertain significance. Review status: criteria provided, multiple submitters, no conflicts (2 of 4 stars). 2 submissions from 2 submitters: Uncertain significance (2). Last evaluated 2025-06-23.

Conditions:
Familial thoracic aortic aneurysm and aortic dissection (TAAD). Also called: Thoracic aortic aneurysms and dissections. Identifiers: Orphanet 91387, MedGen C4707243, MONDO:0019625.

Submissions (2):

Color Diagnostics, LLC DBA Color Health
Classification: Uncertain significance for Familial thoracic aortic aneurysm and aortic dissection. Last evaluated: 2025-06-23. Review status: criteria provided, single submitter. Criteria: ACMG Guidelines, 2015. Collection method: clinical testing. Allele origin: germline.
Comment: This missense variant replaces isoleucine with threonine at codon 65 of the SMAD3 protein. Computational prediction is inconclusive regarding the impact of this variant on protein structure and function. To our knowledge, functional studies have not been reported for this variant. This variant has not been reported in individuals affected with SMAD3-related disorders in the literature. This variant has not been identified in the general population by the Genome Aggregation Database (gnomAD). The available evidence is insufficient to determine the role of this variant in disease conclusively. Therefore, this variant is classified as a Variant of Uncertain Significance.

Labcorp Genetics (formerly Invitae), Labcorp
Classification: Uncertain significance for Familial thoracic aortic aneurysm and aortic dissection. Last evaluated: 2017-01-12. Review status: criteria provided, single submitter. Criteria: Invitae Variant Classification Sherloc (09022015). Collection method: clinical testing. Allele origin: germline.
Comment: This sequence change replaces isoleucine with threonine at codon 65 of the SMAD3 protein (p.Ile65Thr). The isoleucine residue is moderately conserved and there is a moderate physicochemical difference between isoleucine and threonine. This variant is not present in population databases (ExAC no frequency) and has not been reported in the literature in individuals with a SMAD3-related disease. Algorithms developed to predict the effect of missense changes on protein structure and function do not agree on the potential impact of this missense change (SIFT: "Deleterious"; PolyPhen-2: "Benign"; Align-GVGD: "Class C0"). In summary, this variant is a novel missense change with uncertain impact on protein function. It has been classified as a Variant of Uncertain Significance.

NM_005902.4(SMAD3):c.194T>C (p.Ile65Thr)

Gene: SMAD3 (SMAD family member 3; plus strand). Cytogenetic location: 15q22.33.
Variant type: single nucleotide variant.
Coding change: c.194T>C on transcript NM_005902.4 (MANE Select); coding-DNA position 194, T replaced by C.
Protein change: p.Ile65Thr; replaces isoleucine 65 with threonine.
Molecular consequence: missense variant.
Genome position (GRCh38, 1-based): chr15:67,066,348, T>C. VCF-style: chr15-67066348-T-C. GRCh37 (hg19) VCF-style: chr15-67358686-T-C.
Other names: short protein forms I65T.
Identifiers: ClinVar variation 477572 (VCV000477572.8), dbSNP rs1555405117, ClinGen allele CA393203102.
Genomic context (GRCh38, chr15:67,066,348, plus strand): 5'-CGGGGCAGCTGGACGAGCTGGAGAAGGCCATCACCACGCAGAACGTCAACACCAAGTGCA[T>C]CACCATCCCCAGGTGGGGGCCCGCCCGGGGGGGACCCGGGGTCACGCCGGCCCAGCCCCC-3'
Protein context (NP_005893.1, residues 55-75): ITTQNVNTKC[Ile65Thr]TIPRSLDGRL